The following is an entry in ClinVar:

ClinVar aggregate classification (germline): Likely benign. Review status: criteria provided, single submitter (1 of 4 stars). 2 submissions from 2 submitters: Likely benign (1). 1 of the submissions does not count toward it. Last evaluated 2019-12-31.

Conditions:
UBR4-related disorder. Also called: UBR4-related condition.

Allele frequency attached by ClinVar (database versions not stated): 1000 Genomes Project 30x 0.00031; 1000 Genomes Project 0.00040; ExAC 0.00071; gnomAD exomes 0.00074 and 0.00128; gnomAD 0.00082 and 0.00084; TOPMed 0.00083; ESP Exome Variant Server 0.00092.
gnomAD v4.1: 1,997 of 1,614,258 alleles (0.12%); highest among the groups gnomAD compares: Non-Finnish European, 0.16%; 4 homozygotes.

Submissions (2):

Labcorp Genetics (formerly Invitae), Labcorp
Classification: Likely benign. Last evaluated: 2019-12-31. Review status: criteria provided, single submitter. Criteria: Invitae Variant Classification Sherloc (09022015). Collection method: clinical testing. Allele origin: germline.

PreventionGenetics, part of Exact Sciences
Classification: Likely benign for UBR4-related condition. Last evaluated: 2019-10-31. Review status: no assertion criteria provided. Collection method: clinical testing. Allele origin: germline. Not counted in ClinVar's aggregate classification.
Comment: This variant is classified as likely benign based on ACMG/AMP sequence variant interpretation guidelines (Richards et al. 2015 PMID: 25741868, with internal and published modifications).

NM_020765.3(UBR4):c.11274A>G (p.Pro3758=)

Gene: UBR4 (ubiquitin protein ligase E3 component n-recognin 4; minus strand). Cytogenetic location: 1p36.13.
Variant type: single nucleotide variant.
Coding change: c.11274A>G on transcript NM_020765.3 (MANE Select); coding-DNA position 11274, A replaced by G.
Protein change: p.Pro3758=; no amino-acid change (proline 3758 retained).
Molecular consequence: synonymous variant.
Genome position (GRCh38, 1-based): chr1:19,113,999, T>C on the plus strand (A>G on the coding strand, the complement: UBR4 is on the minus strand). VCF-style: chr1-19113999-T-C. GRCh37 (hg19) VCF-style: chr1-19440493-T-C.
Identifiers: ClinVar variation 733014 (VCV000733014.6), dbSNP rs113775530, ClinGen allele CA649014.